The following is an entry in ClinVar:

NM_058216.3(RAD51C):c.168A>G (p.Glu56=)

Gene: RAD51C (RAD51 paralog C; plus strand). Cytogenetic location: 17q22.
Variant type: single nucleotide variant.
Coding change: c.168A>G on transcript NM_058216.3 (MANE Select); coding-DNA position 168, A replaced by G.
Protein change: p.Glu56=; no amino-acid change (glutamic acid 56 retained).
Molecular consequence: synonymous variant. On other transcripts: non-coding transcript variant (2).
Genome position (GRCh38, 1-based): chr17:58,694,953, A>G. VCF-style: chr17-58694953-A-G. GRCh37 (hg19) VCF-style: chr17-56772314-A-G.
Other names: c.168A>G, p.Glu56= (NM_002876.4).
Identifiers: ClinVar variation 3903765 (VCV003903765.1).
Genomic context (GRCh38, chr17:58,694,953, plus strand): 5'-CTAAAATTAGGGTTCTTTTTTTCTTATTTTACTTTCAGAAGTTGGGATATCTAAAGCAGA[A>G]GCCTTAGAAACTCTGCAAATTATCAGAAGAGAATGTCTCACAAATAAACCAAGATATGCT-3'
Protein context (NP_478123.1, residues 46-66): LSKEVGISKA[Glu56=]ALETLQIIRR

ClinVar aggregate classification (germline): Benign (1 of 4 stars; one submission).

Conditions:
Breast-ovarian cancer, familial, susceptibility to, 3. Also called: RAD51C-Related Breast/Ovarian Cancer. Identifiers: Orphanet 145, MedGen C3150659, MONDO:0013253, OMIM 613399.

Submission:

Myriad Genetics, Inc.
Classification: Benign for Breast-ovarian cancer, familial, susceptibility to, 3. Last evaluated: 2025-02-14. Review status: criteria provided, single submitter. Criteria: Myriad Autosomal Dominant, Autosomal Recessive and X-Linked Classification Criteria (2023). Collection method: clinical testing. Allele origin: unknown.
Comment: This variant is considered benign. This variant is a silent/synonymous amino acid change and it is not expected to impact splicing.